The following is an entry in ClinVar:

ClinVar aggregate classification (germline): Uncertain significance (1 of 4 stars; one submission).

gnomAD v4.1: 1 of 1,613,380 alleles (0.000062%); highest among the groups gnomAD compares: Non-Finnish European, 0.000085%; no homozygotes.

Submission:

GeneDx
Classification: Uncertain significance. Last evaluated: 2023-06-28. Review status: criteria provided, single submitter. Criteria: GeneDx Variant Classification Process June 2021. Collection method: clinical testing. Allele origin: germline. Affected: yes.
Comment: Not observed at significant frequency in large population cohorts (gnomAD); In silico analysis supports that this missense variant does not alter protein structure/function; Has not been previously published as pathogenic or benign to our knowledge

NM_001145358.2(SIN3A):c.1366A>G (p.Ser456Gly)

Gene: SIN3A (SIN3 transcription regulator family member A; minus strand). Cytogenetic location: 15q24.2.
Variant type: single nucleotide variant.
Coding change: c.1366A>G on transcript NM_001145358.2 (MANE Select); coding-DNA position 1366, A replaced by G.
Protein change: p.Ser456Gly; replaces serine 456 with glycine.
Molecular consequence: missense variant.
Genome position (GRCh38, 1-based): chr15:75,407,096, T>C on the plus strand (A>G on the coding strand, the complement: SIN3A is on the minus strand). VCF-style: chr15-75407096-T-C. GRCh37 (hg19) VCF-style: chr15-75699437-T-C.
Other names: c.1366A>G, p.Ser456Gly (NM_001145357.2, NM_015477.3); short protein forms S456G.
Identifiers: ClinVar variation 3360656 (VCV003360656.1).
Genomic context (GRCh38, chr15:75,407,096, plus strand): 5'-TAACTCATCCATTACTCACCTTATCAAAAAATAACGATTCTGTTCCACCACCATGTTTGC[T>C]GGCATCTGCCATAGAAGAATCCTTCAGATTGAGCAGTTTGGGTTTCTTCTGCAAAAGAAA-3'
Protein context (NP_001138830.1, residues 446-466): NLKDSSMADA[Ser456Gly]KHGGGTESLF